The following is an entry in ClinVar:

NM_001848.3(COL6A1):c.2132G>A (p.Arg711Gln)

Gene: COL6A1 (collagen type VI alpha 1 chain; plus strand). Cytogenetic location: 21q22.3.
Variant type: single nucleotide variant.
Coding change: c.2132G>A on transcript NM_001848.3 (MANE Select); coding-DNA position 2132, G replaced by A.
Protein change: p.Arg711Gln; replaces arginine 711 with glutamine.
Molecular consequence: missense variant.
Genome position (GRCh38, 1-based): chr21:46,002,283, G>A. VCF-style: chr21-46002283-G-A. GRCh37 (hg19) VCF-style: chr21-47422197-G-A.
Other names: short protein forms R711Q.
Identifiers: ClinVar variation 284778 (VCV000284778.12), dbSNP rs766956281, ClinGen allele CA10070778.
Genomic context (GRCh38, chr21:46,002,283, plus strand): 5'-TCAAGAGCCTGCAGTGGATGGCGGGCGGCACCTTCACGGGGGAGGCCCTGCAGTACACGC[G>A]GGACCAGCTGCTGCCGCCCAGCCCGAACAACCGCATCGCCCTGGTCATCACTGACGGGCG-3'
Protein context (NP_001839.2, residues 701-721): TFTGEALQYT[Arg711Gln]DQLLPPSPNN

ClinVar aggregate classification (germline): Uncertain significance. Review status: criteria provided, multiple submitters, no conflicts (2 of 4 stars). 2 submissions from 2 submitters: Uncertain significance (2). Last evaluated 2025-04-30.

Conditions:
Bethlem myopathy 1A. Also called: Bethlem myopathy 1; MYOPATHY, BENIGN CONGENITAL, WITH CONTRACTURES; Bethlem Muscular Dystrophy. Identifiers: Orphanet 610, MedGen CN029274, MONDO:0024530, OMIM 158810.

Allele frequency attached by ClinVar (database versions not stated): gnomAD 0.00001; TOPMed 0.00001; ExAC 0.00002.
gnomAD v4.1: 9 of 1,596,420 alleles (0.00056%); highest among the groups gnomAD compares: Middle Eastern, 0.017%; no homozygotes.

Submissions (2):

Labcorp Genetics (formerly Invitae), Labcorp
Classification: Uncertain significance for Bethlem myopathy 1A. Last evaluated: 2025-04-30. Review status: criteria provided, single submitter. Criteria: Invitae Variant Classification Sherloc (09022015). Collection method: clinical testing. Allele origin: germline.
Comment: This sequence change replaces arginine, which is basic and polar, with glutamine, which is neutral and polar, at codon 711 of the COL6A1 protein (p.Arg711Gln). The frequency data for this variant in the population databases is considered unreliable, as metrics indicate poor data quality at this position in the gnomAD database. This variant has not been reported in the literature in individuals affected with COL6A1-related conditions. ClinVar contains an entry for this variant (Variation ID: 284778). Invitae Evidence Modeling of protein sequence and biophysical properties (such as structural, functional, and spatial information, amino acid conservation, physicochemical variation, residue mobility, and thermodynamic stability) indicates that this missense variant is not expected to disrupt COL6A1 protein function with a negative predictive value of 95%. In summary, the available evidence is currently insufficient to determine the role of this variant in disease. Therefore, it has been classified as a Variant of Uncertain Significance.

Eurofins Ntd Llc (ga)
Classification: Uncertain significance. Last evaluated: 2015-12-15. Review status: criteria provided, single submitter. Criteria: EGL Classification Definitions 2015. Collection method: clinical testing. Allele origin: germline. Observed: 2 variant alleles, 2 heterozygotes.